The following is an entry in ClinVar:

ClinVar aggregate classification (germline): Pathogenic. Review status: criteria provided, single submitter (1 of 4 stars). 2 submissions from 2 submitters: Pathogenic (1). 1 of the submissions does not count toward it. Last evaluated 2025-04-18.

Conditions:
Aromatase deficiency. Also called: PSEUDOHERMAPHRODITISM, FEMALE, DUE TO PLACENTAL AROMATASE DEFICIENCY; Increased aromatase activity. Identifiers: Orphanet 91, MedGen C1960539, MONDO:0013301, OMIM 613546.

Submissions (2):

Natera, Inc.
Classification: Pathogenic for Aromatase deficiency. Last evaluated: 2025-04-18. Review status: criteria provided, single submitter. Criteria: Natera Variant Classification Schema (03/2026). Collection method: clinical testing. Allele origin: germline.
Comment: The c.296+1G>A variant in CYP19A1 is a canonical splice donor site variant predicted to affect pre-mRNA splicing, which may result in an abnormal transcript and altered protein product. This variant is expected to result in nonsense mediated decay, truncation, or a dysfunctional protein product. This variant is rare in the general population with a frequency below the threshold expected for the associated phenotype(s). This variant has been observed in one or more individuals affected with the associated recessive disease, as either homozygous or compound heterozygous with a second variant (PMID: 9177373). Given the available evidence, this variant is classified as Pathogenic.

OMIM
Classification: Pathogenic for AROMATASE DEFICIENCY. Last evaluated: 1997-06-01. Review status: no assertion criteria provided. Collection method: literature only. Allele origin: germline. Not counted in ClinVar's aggregate classification.

Literature cited by the submitters: PubMed 9177373 (cited by Natera, Inc. and OMIM).

NM_000103.4(CYP19A1):c.296+1G>A

Genes: PIRC66 (piwi-interacting RNA cluster 66; plus strand), CYP19A1 (cytochrome P450 family 19 subfamily A member 1; minus strand), MIR4713HG (MIR4713 host gene; plus strand). Cytogenetic location: 15q21.2.
Variant type: single nucleotide variant.
Coding change: c.296+1G>A on transcript NM_000103.4 (MANE Select); the canonical splice donor site of the intron after coding-DNA position 296, G replaced by A.
Molecular consequence: splice donor variant.
Genome position (GRCh38, 1-based): chr15:51,236,858, C>T on the plus strand (G>A on the coding strand, the complement: CYP19A1 is on the minus strand). VCF-style: chr15-51236858-C-T. GRCh37 (hg19) VCF-style: chr15-51529055-C-T.
Other names: IVS3, G-A, +1; c.296+1G>A (NM_031226.3, NM_001347248.1, NM_001347249.2 and 7 more transcripts).
Identifiers: ClinVar variation 17820 (VCV000017820.2), dbSNP rs786205109, ClinGen allele CA213005.
Genomic context (GRCh38, chr15:51,236,858, plus strand): 5'-TAAGTGGAAAAAACTCCAGCCTCGATTTAAAAAGTATGTCTTCGATTATGAACAGACTCA[C>T]TTGCTGATAATGAGTGTTTCCTCTCCAGAGATCCAGACTCGCATGAATTCTCCATATACC-3'